The following is an entry in ClinVar:

NM_001291303.3(FAT4):c.4198C>T (p.Arg1400Cys)

Gene: FAT4 (FAT atypical cadherin 4; plus strand). Cytogenetic location: 4q28.1.
Variant type: single nucleotide variant.
Coding change: c.4198C>T on transcript NM_001291303.3 (MANE Select); coding-DNA position 4198, C replaced by T.
Protein change: p.Arg1400Cys; replaces arginine 1400 with cysteine.
Molecular consequence: missense variant.
Genome position (GRCh38, 1-based): chr4:125,320,609, C>T. VCF-style: chr4-125320609-C-T. GRCh37 (hg19) VCF-style: chr4-126241764-C-T.
Other names: c.4198C>T, p.Arg1400Cys (NM_001291285.3, NM_024582.6); short protein forms R1400C.
Identifiers: ClinVar variation 1483637 (VCV001483637.6), dbSNP rs764898249, ClinGen allele CA3072426.
Genomic context (GRCh38, chr4:125,320,609, plus strand): 5'-TTTGAAACACAGTCTTTGTATAAATTAAATATAACAGCAAAAGACCAAGGAAGACCTCCT[C>T]GTTCATCTACAATGTCAGTGGTTATTCACGTGAGGGACTTTAATGACAATCCTCCTAGCT-3'
Protein context (NP_001278232.1, residues 1390-1410): ITAKDQGRPP[Arg1400Cys]SSTMSVVIHV

ClinVar aggregate classification (germline): Uncertain significance (1 of 4 stars; one submission).

Allele frequency attached by ClinVar (database versions not stated): gnomAD exomes 0.00001 and 0.00002; ExAC 0.00002; gnomAD 0.00003; TOPMed 0.00005.
gnomAD v4.1: 16 of 1,613,970 alleles (0.00099%); highest among the groups gnomAD compares: African/African-American, 0.017%; no homozygotes.

Submission:

Labcorp Genetics (formerly Invitae), Labcorp
Classification: Uncertain significance. Last evaluated: 2024-10-24. Review status: criteria provided, single submitter. Criteria: Invitae Variant Classification Sherloc (09022015). Collection method: clinical testing. Allele origin: germline.
Comment: This sequence change replaces arginine, which is basic and polar, with cysteine, which is neutral and slightly polar, at codon 1400 of the FAT4 protein (p.Arg1400Cys). This variant is present in population databases (rs764898249, gnomAD 0.03%). This variant has not been reported in the literature in individuals affected with FAT4-related conditions. ClinVar contains an entry for this variant (Variation ID: 1483637). Invitae Evidence Modeling of protein sequence and biophysical properties (such as structural, functional, and spatial information, amino acid conservation, physicochemical variation, residue mobility, and thermodynamic stability) indicates that this missense variant is not expected to disrupt FAT4 protein function with a negative predictive value of 80%. In summary, the available evidence is currently insufficient to determine the role of this variant in disease. Therefore, it has been classified as a Variant of Uncertain Significance.